The following is an entry in ClinVar:

ClinVar aggregate classification (germline): Uncertain significance (1 of 4 stars; one submission).

Conditions:
Spastic paraplegia. Identifiers: MedGen C0037772, HP:0001258.

gnomAD v4.1: 1 of 1,613,950 alleles (0.000062%); no homozygotes.

Submission:

Labcorp Genetics (formerly Invitae), Labcorp
Classification: Uncertain significance for Spastic paraplegia. Last evaluated: 2025-03-17. Review status: criteria provided, single submitter. Criteria: Invitae Variant Classification Sherloc (09022015). Collection method: clinical testing. Allele origin: germline.
Comment: This sequence change replaces asparagine, which is neutral and polar, with serine, which is neutral and polar, at codon 79 of the B4GALNT1 protein (p.Asn79Ser). This variant is not present in population databases (gnomAD no frequency). This variant has not been reported in the literature in individuals affected with B4GALNT1-related conditions. ClinVar contains an entry for this variant (Variation ID: 1974439). Invitae Evidence Modeling of protein sequence and biophysical properties (such as structural, functional, and spatial information, amino acid conservation, physicochemical variation, residue mobility, and thermodynamic stability) indicates that this missense variant is not expected to disrupt B4GALNT1 protein function with a negative predictive value of 80%. In summary, the available evidence is currently insufficient to determine the role of this variant in disease. Therefore, it has been classified as a Variant of Uncertain Significance.

NM_001478.5(B4GALNT1):c.236A>G (p.Asn79Ser)

Gene: B4GALNT1 (beta-1,4-N-acetyl-galactosaminyltransferase 1; minus strand). Cytogenetic location: 12q13.3.
Variant type: single nucleotide variant.
Coding change: c.236A>G on transcript NM_001478.5 (MANE Select); coding-DNA position 236, A replaced by G.
Protein change: p.Asn79Ser; replaces asparagine 79 with serine.
Molecular consequence: missense variant. On other transcripts: intron variant (1).
Genome position (GRCh38, 1-based): chr12:57,631,347, T>C on the plus strand (A>G on the coding strand, the complement: B4GALNT1 is on the minus strand). VCF-style: chr12-57631347-T-C. GRCh37 (hg19) VCF-style: chr12-58025130-T-C.
Other names: c.236A>G, p.Asn79Ser (NM_001276469.2, NM_001413967.1, NM_001413968.1 and 9 more transcripts); c.-668A>G (NM_001413981.1, NM_001413982.1, NM_001413983.1 and 1 more transcripts); c.219-261A>G (NM_001276468.2); short protein forms N79S.
Identifiers: ClinVar variation 1974439 (VCV001974439.3), dbSNP rs2140252339, ClinGen allele CA385502103.